The following is an entry in ClinVar:

ClinVar aggregate classification (germline): Uncertain significance (1 of 4 stars; one submission).

Submission:

Labcorp Genetics (formerly Invitae), Labcorp
Classification: Uncertain significance. Last evaluated: 2025-06-24. Review status: criteria provided, single submitter. Criteria: Invitae Variant Classification Sherloc (09022015). Collection method: clinical testing. Allele origin: germline.
Comment: This sequence change replaces proline, which is neutral and non-polar, with alanine, which is neutral and non-polar, at codon 1362 of the LRP6 protein (p.Pro1362Ala). This variant is not present in population databases (gnomAD no frequency). This variant has not been reported in the literature in individuals affected with LRP6-related conditions. An algorithm developed to predict the effect of missense changes on protein structure and function (PolyPhen-2) suggests that this variant is likely to be tolerated. In summary, the available evidence is currently insufficient to determine the role of this variant in disease. Therefore, it has been classified as a Variant of Uncertain Significance.

NM_002336.3(LRP6):c.4084C>G (p.Pro1362Ala)

Gene: LRP6 (LDL receptor related protein 6; minus strand). Cytogenetic location: 12p13.2.
Variant type: single nucleotide variant.
Coding change: c.4084C>G on transcript NM_002336.3 (MANE Select); coding-DNA position 4084, C replaced by G.
Protein change: p.Pro1362Ala; replaces proline 1362 with alanine.
Molecular consequence: missense variant. On other transcripts: non-coding transcript variant (1).
Genome position (GRCh38, 1-based): chr12:12,126,919, G>C on the plus strand (C>G on the coding strand, the complement: LRP6 is on the minus strand). VCF-style: chr12-12126919-G-C. GRCh37 (hg19) VCF-style: chr12-12279853-G-C.
Other names: c.4177C>G, p.Pro1393Ala (NM_001414244.1); c.4084C>G, p.Pro1362Ala (NM_001414245.1, NM_001414248.1, NM_001414249.1 and 1 more transcripts); c.3949C>G, p.Pro1317Ala (NM_001414246.1); c.3886C>G, p.Pro1296Ala (NM_001414247.1); c.3721C>G, p.Pro1241Ala (NM_001414251.1); c.3631C>G, p.Pro1211Ala (NM_001414252.1, NM_001414253.1, NM_001414254.1); c.3577C>G, p.Pro1193Ala (NM_001414255.1); short protein forms P1193A, P1393A, P1211A, P1241A, P1296A, P1362A, P1317A.
Identifiers: ClinVar variation 4704637 (VCV004704637.1).